The following is an entry in ClinVar:

NM_018896.5(CACNA1G):c.1577C>T (p.Ala526Val)

Gene: CACNA1G (calcium voltage-gated channel subunit alpha1 G; plus strand). Cytogenetic location: 17q21.33.
Variant type: single nucleotide variant.
Coding change: c.1577C>T on transcript NM_018896.5 (MANE Select); coding-DNA position 1577, C replaced by T.
Protein change: p.Ala526Val; replaces alanine 526 with valine.
Molecular consequence: missense variant. On other transcripts: non-coding transcript variant (5).
Genome position (GRCh38, 1-based): chr17:50,575,979, C>T. VCF-style: chr17-50575979-C-T. GRCh37 (hg19) VCF-style: chr17-48653340-C-T.
Other names: c.1577C>T, p.Ala526Val (NM_001256331.2, NM_001256332.2, NM_001256333.2 and 24 more transcripts); short protein forms A526V.
Identifiers: ClinVar variation 2958869 (VCV002958869.4), dbSNP rs1453110129, ClinGen allele CA400237987.
Genomic context (GRCh38, chr17:50,575,979, plus strand): 5'-ACCTGGGCAATGGGACGCTCAGGGCCCCCCGGGCCAGCCCGGAGATCCAGGACAGGGATG[C>T]CAATGGGTCCCGCCGGCTCATGCTGCCACCACCCTCGACGCCTGCCCTCTCCGGGGCCCC-3'
Protein context (NP_061496.2, residues 516-536): RASPEIQDRD[Ala526Val]NGSRRLMLPP

ClinVar aggregate classification (germline): Uncertain significance. Review status: criteria provided, multiple submitters, no conflicts (2 of 4 stars). 2 submissions from 2 submitters: Uncertain significance (2). Last evaluated 2026-02-13.

Conditions:
Spinocerebellar ataxia type 42. Identifiers: Orphanet 458803, MedGen C4225205, MONDO:0014776, OMIM 616795.

Allele frequency attached by ClinVar (database versions not stated): gnomAD exomes below 0.00001.
gnomAD v4.1: 1 of 1,552,710 alleles (0.000064%); highest among the groups gnomAD compares: Non-Finnish European, 0.000087%; no homozygotes.

Submissions (2):

OLLIN Analises Genomicas, OLLIN
Classification: Uncertain significance for Spinocerebellar ataxia type 42. Last evaluated: 2026-02-13. Review status: criteria provided, single submitter. Criteria: ACMG Guidelines 2015 PMID 25741868. Collection method: clinical testing. Allele origin: germline. Observed: 1 variant allele.
Comment: PM2_P, PP2

Labcorp Genetics (formerly Invitae), Labcorp
Classification: Uncertain significance. Last evaluated: 2023-05-11. Review status: criteria provided, single submitter. Criteria: Invitae Variant Classification Sherloc (09022015). Collection method: clinical testing. Allele origin: germline.
Comment: Advanced modeling of protein sequence and biophysical properties (such as structural, functional, and spatial information, amino acid conservation, physicochemical variation, residue mobility, and thermodynamic stability) performed at Invitae indicates that this missense variant is not expected to disrupt CACNA1G protein function. This variant has not been reported in the literature in individuals affected with CACNA1G-related conditions. This variant is present in population databases (no rsID available, gnomAD 0.002%). This sequence change replaces alanine, which is neutral and non-polar, with valine, which is neutral and non-polar, at codon 526 of the CACNA1G protein (p.Ala526Val). In summary, the available evidence is currently insufficient to determine the role of this variant in disease. Therefore, it has been classified as a Variant of Uncertain Significance.